The following is an entry in ClinVar:

NM_002529.4(NTRK1):c.429-1G>C

Gene: NTRK1 (neurotrophic receptor tyrosine kinase 1; plus strand). Cytogenetic location: 1q23.1.
Variant type: single nucleotide variant.
Coding change: c.429-1G>C on transcript NM_002529.4 (MANE Select); the canonical splice acceptor site of the intron before coding-DNA position 429, G replaced by C.
Molecular consequence: splice acceptor variant.
Genome position (GRCh38, 1-based): chr1:156,868,103, G>C. VCF-style: chr1-156868103-G-C. GRCh37 (hg19) VCF-style: chr1-156837895-G-C.
Other names: c.339-1G>C (NM_001007792.1); c.429-1G>C (NM_001012331.2).
Identifiers: ClinVar variation 637475 (VCV000637475.3), dbSNP rs748672380, ClinGen allele CA342933540.

ClinVar aggregate classification (germline): Pathogenic. Review status: criteria provided, multiple submitters, no conflicts (2 of 4 stars). 3 submissions from 3 submitters: Pathogenic (2). 1 of the submissions does not count toward it. Last evaluated 2024-10-04.

Conditions:
Charcot-Marie-Tooth disease. Also called: Charcot-Marie-Tooth Neuropathy; Charcot-Marie-Tooth Hereditary Neuropathy. Identifiers: Orphanet 166, MedGen C0007959, MONDO:0015626.
Hereditary insensitivity to pain with anhidrosis (CIPA). Also called: INSENSITIVITY TO PAIN, CONGENITAL, WITH ANHIDROSIS; HSAN Type IV; FAMILIAL DYSAUTONOMIA, TYPE II; NTRK1 Congenital Insensitivity to Pain with Anhidrosis; NEUROPATHY, CONGENITAL SENSORY, WITH ANHIDROSIS; hereditary sensory and autonomic neuropathy type 4. Identifiers: Orphanet 642, MedGen C0020074, MONDO:0009746, OMIM 256800.
PAIN SENSITIVITY QUANTITATIVE TRAIT LOCUS 1 (PAINQTL1). Also called: Insensitivity to pain. Identifiers: MedGen C4760611, OMIM 618377.

Submissions (3):

Dubai Health Genomic Medicine Center, Dubai Health
Classification: Pathogenic for Insensitivity to pain. Last evaluated: 2024-10-04. Review status: criteria provided, single submitter. Criteria: ACMG Guidelines, 2015. Collection method: research. Allele origin: germline. Affected: yes.
Comment: PVS1,PM3,PP1

Baylor Genetics
Classification: Pathogenic for Hereditary insensitivity to pain with anhidrosis. Last evaluated: 2020-03-05. Review status: criteria provided, single submitter. Criteria: ACMG Guidelines, 2015. Collection method: clinical testing. Allele origin: unknown. Affected: yes.
Comment: This variant was determined to be pathogenic according to ACMG Guidelines, 2015 [PMID:25741868].

Inherited Neuropathy Consortium
Classification: Uncertain significance for Charcot-Marie-Tooth disease. Review status: no assertion criteria provided. Collection method: literature only. Allele origin: germline. Affected: yes. Not counted in ClinVar's aggregate classification.

Literature cited by the submitters: PubMed 10330344 (cited by Inherited Neuropathy Consortium).